The following is an entry in ClinVar:

NM_002439.5(MSH3):c.715A>G (p.Met239Val)

Gene: MSH3 (mutS homolog 3; plus strand). Cytogenetic location: 5q14.1.
Variant type: single nucleotide variant.
Coding change: c.715A>G on transcript NM_002439.5 (MANE Select); coding-DNA position 715, A replaced by G.
Protein change: p.Met239Val; replaces methionine 239 with valine.
Molecular consequence: missense variant.
Genome position (GRCh38, 1-based): chr5:80,670,232, A>G. VCF-style: chr5-80670232-A-G. GRCh37 (hg19) VCF-style: chr5-79966051-A-G.
Other names: short protein forms M239V.
Identifiers: ClinVar variation 826867 (VCV000826867.12), dbSNP rs1187858656, ClinGen allele CA360266854.
Genomic context (GRCh38, chr5:80,670,232, plus strand): 5'-AAATCAGCTAACAAACGGTCCAAAAGCATCTATACGCCGCTAGAATTACAATACATAGAA[A>G]TGAAGCAGCAGCACAAAGATGCAGTTTTGTGTGTGGAATGTGGATATAAGTATAGATTCT-3'
Protein context (NP_002430.3, residues 229-249): YTPLELQYIE[Met239Val]KQQHKDAVLC

ClinVar aggregate classification (germline): Uncertain significance. Review status: criteria provided, multiple submitters, no conflicts (2 of 4 stars). 2 submissions from 2 submitters: Uncertain significance (2). Last evaluated 2023-09-10.

Conditions:
Hereditary cancer-predisposing syndrome. Also called: Neoplastic Syndromes, Hereditary; Tumor predisposition; Hereditary neoplastic syndrome; Hereditary Cancer Syndrome. Identifiers: Orphanet 140162, MedGen C0027672, MeSH D009386, MONDO:0015356.

Allele frequency attached by ClinVar (database versions not stated): gnomAD exomes below 0.00001; TOPMed below 0.00001.
gnomAD v4.1: 1 of 1,614,160 alleles (0.000062%); highest among the groups gnomAD compares: Non-Finnish European, 0.000085%; no homozygotes.

Submissions (2):

Labcorp Genetics (formerly Invitae), Labcorp
Classification: Uncertain significance. Last evaluated: 2023-09-10. Review status: criteria provided, single submitter. Criteria: Invitae Variant Classification Sherloc (09022015). Collection method: clinical testing. Allele origin: germline.
Comment: This variant is not present in population databases (gnomAD no frequency). This sequence change replaces methionine, which is neutral and non-polar, with valine, which is neutral and non-polar, at codon 239 of the MSH3 protein (p.Met239Val). This variant has not been reported in the literature in individuals affected with MSH3-related conditions. In summary, the available evidence is currently insufficient to determine the role of this variant in disease. Therefore, it has been classified as a Variant of Uncertain Significance. Algorithms developed to predict the effect of missense changes on protein structure and function output the following: SIFT: "Not Available"; PolyPhen-2: "Benign"; Align-GVGD: "Not Available". The valine amino acid residue is found in multiple mammalian species, which suggests that this missense change does not adversely affect protein function. ClinVar contains an entry for this variant (Variation ID: 826867).

Ambry Genetics
Classification: Uncertain significance for Hereditary cancer-predisposing syndrome. Last evaluated: 2019-06-20. Review status: criteria provided, single submitter. Criteria: Ambry Variant Classification Scheme 2023. Collection method: clinical testing. Allele origin: germline.
Comment: The p.M239V variant (also known as c.715A>G), located in coding exon 4 of the MSH3 gene, results from an A to G substitution at nucleotide position 715. The methionine at codon 239 is replaced by valine, an amino acid with highly similar properties. This amino acid position is poorly conserved in available vertebrate species. In addition, this alteration is predicted to be tolerated by in silico analysis. Since supporting evidence is limited at this time, the clinical significance of this alteration remains unclear.